The following is an entry in ClinVar:

NM_005251.3(FOXC2):c.*196C>T

Gene: FOXC2 (forkhead box C2; plus strand). Cytogenetic location: 16q24.1.
Variant type: single nucleotide variant.
Coding change: c.*196C>T on transcript NM_005251.3 (MANE Select); 196 bases downstream of the stop codon, C replaced by T.
Molecular consequence: 3 prime UTR variant.
Genome position (GRCh38, 1-based): chr16:86,569,037, C>T. VCF-style: chr16-86569037-C-T. GRCh37 (hg19) VCF-style: chr16-86602643-C-T.
Identifiers: ClinVar variation 1707312 (VCV001707312.2), dbSNP rs3751794, ClinGen allele CA285808253.

ClinVar aggregate classification (germline): Likely benign (1 of 4 stars; one submission).

Allele frequency attached by ClinVar (database versions not stated): gnomAD 0.02534; TOPMed 0.02734; 1000 Genomes Project 30x 0.06808; 1000 Genomes Project 0.07029.

Submission:

GeneDx
Classification: Likely benign. Last evaluated: 2021-05-15. Review status: criteria provided, single submitter. Criteria: GeneDx Variant Classification Process June 2021. Collection method: clinical testing. Allele origin: germline. Affected: yes.
Comment: See Variant Classification Assertion Criteria.